The following is an entry in ClinVar:

NM_001101426.4(CRPPA):c.356T>A (p.Leu119Gln)

Gene: CRPPA (CDP-L-ribitol pyrophosphorylase A; minus strand). Cytogenetic location: 7p21.2.
Variant type: single nucleotide variant.
Coding change: c.356T>A on transcript NM_001101426.4 (MANE Select); coding-DNA position 356, T replaced by A.
Protein change: p.Leu119Gln; replaces leucine 119 with glutamine.
Molecular consequence: missense variant. On other transcripts: non-coding transcript variant (1).
Genome position (GRCh38, 1-based): chr7:16,406,239, A>T on the plus strand (T>A on the coding strand, the complement: CRPPA is on the minus strand). VCF-style: chr7-16406239-A-T. GRCh37 (hg19) VCF-style: chr7-16445864-A-T.
Other names: c.356T>A, p.Leu119Gln (NM_001101417.4, NM_001368197.1); short protein forms L119Q.
Identifiers: ClinVar variation 473155 (VCV000473155.1), dbSNP rs1356080750, ClinGen allele CA367002624.

ClinVar aggregate classification (germline): Uncertain significance (1 of 4 stars; one submission).

Conditions:
Autosomal recessive limb-girdle muscular dystrophy type 2U. Also called: MUSCULAR DYSTROPHY, LIMB-GIRDLE, TYPE 2U; Muscular dystrophy-dystroglycanopathy (limb-girdle), type c, 7. Identifiers: Orphanet 352479, MedGen C5190987, MONDO:0014474, OMIM 616052.
Muscular dystrophy-dystroglycanopathy (congenital with brain and eye anomalies), type A, 7. Also called: WALKER-WARBURG SYNDROME OR MUSCLE-EYE-BRAIN DISEASE, ISPD-RELATED; Congenital muscular dystrophy-dystroglycanopathy with brain and eye anomalies, type A7. Identifiers: Orphanet 899, MedGen C3553330, MONDO:0013835, OMIM 614643.

Allele frequency attached by ClinVar (database versions not stated): gnomAD exomes below 0.00001.
gnomAD v4.1: 6 of 1,613,996 alleles (0.00037%); highest among the groups gnomAD compares: Non-Finnish European, 0.00051%; no homozygotes.

Submission:

Labcorp Genetics (formerly Invitae), Labcorp
Classification: Uncertain significance for Muscular dystrophy-dystroglycanopathy (congenital with brain and eye anomalies), type A, 7; Autosomal recessive limb-girdle muscular dystrophy type 2U. Last evaluated: 2017-10-06. Review status: criteria provided, single submitter. Criteria: Invitae Variant Classification Sherloc (09022015). Collection method: clinical testing. Allele origin: germline.
Comment: This sequence change replaces leucine with glutamine at codon 119 of the ISPD protein (p.Leu119Gln). The leucine residue is moderately conserved and there is a moderate physicochemical difference between leucine and glutamine. This variant is not present in population databases (ExAC no frequency). This variant has not been reported in the literature in individuals with ISPD-related disease. Algorithms developed to predict the effect of missense changes on protein structure and function (SIFT, PolyPhen-2, Align-GVGD) all suggest that this variant is likely to be disruptive, but these predictions have not been confirmed by published functional studies and their clinical significance is uncertain. Algorithms developed to predict the effect of sequence changes on RNA splicing suggest that this variant may create or strengthen a splice site, but this prediction has not been confirmed by published transcriptional studies. In summary, the available evidence is currently insufficient to determine the role of this variant in disease. Therefore, it has been classified as a Variant of Uncertain Significance.